The following is an entry in ClinVar:

ClinVar aggregate classification (germline): Uncertain significance (1 of 4 stars; one submission).

Conditions:
Exostoses, multiple, type 2 (EXT2). Also called: Hereditary Multiple Osteochondromatosis, Type II; EXOSTOSES, MULTIPLE, TYPE II. Identifiers: Orphanet 321, MedGen C1851413, MONDO:0007586, OMIM 133701.

Submission:

Labcorp Genetics (formerly Invitae), Labcorp
Classification: Uncertain significance for Exostoses, multiple, type 2. Last evaluated: 2025-11-04. Review status: criteria provided, single submitter. Criteria: Invitae Variant Classification Sherloc (09022015). Collection method: clinical testing. Allele origin: germline.
Comment: This sequence change replaces glycine, which is neutral and non-polar, with cysteine, which is neutral and slightly polar, at codon 36 of the EXT2 protein (p.Gly36Cys). This variant is not present in population databases (gnomAD no frequency). This variant has not been reported in the literature in individuals affected with EXT2-related conditions. Invitae Evidence Modeling of protein sequence and biophysical properties (such as structural, functional, and spatial information, amino acid conservation, physicochemical variation, residue mobility, and thermodynamic stability) indicates that this missense variant is not expected to disrupt EXT2 protein function with a negative predictive value of 95%. In summary, the available evidence is currently insufficient to determine the role of this variant in disease. Therefore, it has been classified as a Variant of Uncertain Significance.

NM_207122.2(EXT2):c.106G>T (p.Gly36Cys)

Gene: EXT2 (exostosin glycosyltransferase 2; plus strand). Cytogenetic location: 11p11.2.
Variant type: single nucleotide variant.
Coding change: c.106G>T on transcript NM_207122.2 (MANE Select); coding-DNA position 106, G replaced by T.
Protein change: p.Gly36Cys; replaces glycine 36 with cysteine.
Molecular consequence: missense variant.
Genome position (GRCh38, 1-based): chr11:44,107,818, G>T. VCF-style: chr11-44107818-G-T. GRCh37 (hg19) VCF-style: chr11-44129368-G-T.
Other names: c.205G>T, p.Gly69Cys (NM_000401.3); c.106G>T, p.Gly36Cys (NM_001178083.3, NM_001389628.1, NM_001389630.1); short protein forms G36C, G69C.
Identifiers: ClinVar variation 4768297 (VCV004768297.1).
Genomic context (GRCh38, chr11:44,107,818, plus strand): 5'-CCAAGAATGAAGACCAAGCACCGAATCTACTATATCACCCTCTTCTCCATTGTCCTCCTG[G>T]GCCTCATTGCCACTGGCATGTTTCAGTTTTGGCCCCATTCTATCGAGTCCTCAAATGACT-3'
Protein context (NP_997005.1, residues 26-46): YITLFSIVLL[Gly36Cys]LIATGMFQFW